The following is an entry in ClinVar:

ClinVar aggregate classification (germline): Uncertain significance. Review status: criteria provided, multiple submitters, no conflicts (2 of 4 stars). 2 submissions from 2 submitters: Uncertain significance (2). Last evaluated 2025-11-26.

Allele frequency attached by ClinVar (database versions not stated): gnomAD exomes below 0.00001; gnomAD 0.00001; TOPMed 0.00001.
gnomAD v4.1: 3 of 1,584,378 alleles (0.00019%); highest among the groups gnomAD compares: East Asian, 0.0022%; no homozygotes.

Submissions (2):

Dasa
Classification: Uncertain significance. Last evaluated: 2025-11-26. Review status: criteria provided, single submitter. Criteria: DASA Assertion Criteria. Collection method: clinical testing. Allele origin: germline.
Comment: NM_138615.3(DHX30):c.2575+5G>A is a splice-region variant predicted to affect normal RNA splicing. This variant is absent from population databases. Computational prediction algorithms are consistent with a deleterious effect. The currently available literature and clinical evidence are not sufficient to establish a definitive association between this variant and the reported condition. Therefore, this variant is classified as a variant of uncertain significance.

GeneDx
Classification: Uncertain significance. Last evaluated: 2019-03-31. Review status: criteria provided, single submitter. Criteria: GeneDx Variant Classification Process June 2021. Collection method: clinical testing. Allele origin: germline. Affected: yes.
Comment: Has not been previously published as pathogenic or benign to our knowledge; Not observed in large population cohorts (Lek et al., 2016); In-silico analysis, which includes splice predictors and evolutionary conservation, is inconclusive as to whether the variant alters gene splicing. In the absence of RNA/functional studies, the actual effect of this sequence change is unknown.

NM_138615.3(DHX30):c.2575+5G>A

Gene: DHX30 (DExH-box helicase 30; plus strand). Cytogenetic location: 3p21.31.
Variant type: single nucleotide variant.
Coding change: c.2575+5G>A on transcript NM_138615.3 (MANE Select); 5 bases into the intron after coding-DNA position 2575, G replaced by A.
Molecular consequence: intron variant.
Genome position (GRCh38, 1-based): chr3:47,848,555, G>A. VCF-style: chr3-47848555-G-A. GRCh37 (hg19) VCF-style: chr3-47890045-G-A.
Other names: c.2491+5G>A (NM_001330990.2); c.2458+5G>A (NM_014966.4).
Identifiers: ClinVar variation 1308399 (VCV001308399.4), dbSNP rs1347930503, ClinGen allele CA907717895.